The following is an entry in ClinVar:

NM_000553.6(WRN):c.3232A>G (p.Ser1078Gly)

Gene: WRN (WRN RecQ like helicase; plus strand). Cytogenetic location: 8p12.
Variant type: single nucleotide variant.
Coding change: c.3232A>G on transcript NM_000553.6 (MANE Select); coding-DNA position 3232, A replaced by G.
Protein change: p.Ser1078Gly; replaces serine 1078 with glycine.
Molecular consequence: missense variant.
Genome position (GRCh38, 1-based): chr8:31,141,774, A>G. VCF-style: chr8-31141774-A-G. GRCh37 (hg19) VCF-style: chr8-30999290-A-G.
Other names: short protein forms S1078G.
Identifiers: ClinVar variation 648050 (VCV000648050.2), dbSNP rs543930395, ClinGen allele CA4704967.

ClinVar aggregate classification (germline): Uncertain significance. Review status: criteria provided, multiple submitters, no conflicts (2 of 4 stars). 2 submissions from 2 submitters: Uncertain significance (2). Last evaluated 2025-11-26.

Conditions:
Inborn genetic diseases. Identifiers: MedGen C0950123, MeSH D030342.
Werner syndrome (WRN). Identifiers: Orphanet 902, MedGen C0043119, MONDO:0010196, OMIM 277700.

Allele frequency attached by ClinVar (database versions not stated): gnomAD 0.00001 and below 0.00001; gnomAD exomes 0.00001; ExAC 0.00003; 1000 Genomes Project 30x 0.00016; 1000 Genomes Project 0.00020.
gnomAD v4.1: 14 of 1,613,552 alleles (0.00087%); highest among the groups gnomAD compares: South Asian, 0.015%; no homozygotes.

Submissions (2):

Ambry Genetics
Classification: Uncertain significance for Inborn genetic diseases. Last evaluated: 2025-11-26. Review status: criteria provided, single submitter. Criteria: Ambry Variant Classification Scheme 2023. Collection method: clinical testing. Allele origin: germline.

Labcorp Genetics (formerly Invitae), Labcorp
Classification: Uncertain significance for Werner syndrome. Last evaluated: 2018-09-22. Review status: criteria provided, single submitter. Criteria: Invitae Variant Classification Sherloc (09022015). Collection method: clinical testing. Allele origin: germline.
Comment: This sequence change replaces serine with glycine at codon 1078 of the WRN protein (p.Ser1078Gly). The serine residue is moderately conserved and there is a small physicochemical difference between serine and glycine. This variant is present in population databases (rs543930395, ExAC 0.02%). This variant has not been reported in the literature in individuals with WRN-related disease. Algorithms developed to predict the effect of missense changes on protein structure and function are either unavailable or do not agree on the potential impact of this missense change (SIFT: "Tolerated"; PolyPhen-2: "Possibly Damaging"; Align-GVGD: "Class C0"). In summary, the available evidence is currently insufficient to determine the role of this variant in disease. Therefore, it has been classified as a Variant of Uncertain Significance.